The following is an entry in ClinVar:

NM_015656.2(KIF26A):c.1731T>C (p.Ala577=)

Gene: KIF26A (kinesin family member 26A; plus strand). Cytogenetic location: 14q32.33.
Variant type: single nucleotide variant.
Coding change: c.1731T>C on transcript NM_015656.2 (MANE Select); coding-DNA position 1731, T replaced by C.
Protein change: p.Ala577=; no amino-acid change (alanine 577 retained).
Molecular consequence: synonymous variant.
Genome position (GRCh38, 1-based): chr14:104,173,377, T>C. VCF-style: chr14-104173377-T-C. GRCh37 (hg19) VCF-style: chr14-104639714-T-C.
Identifiers: ClinVar variation 2644603 (VCV002644603.24), dbSNP rs1335438408, ClinGen allele CA488198821.

ClinVar aggregate classification (germline): Likely benign (1 of 4 stars; one submission).

Allele frequency attached by ClinVar (database versions not stated): gnomAD exomes below 0.00001; gnomAD 0.00001.

Submission:

CeGaT Center for Human Genetics Tuebingen
Classification: Likely benign. Last evaluated: 2022-09-01. Review status: criteria provided, single submitter. Criteria: CeGaT Center For Human Genetics Tuebingen Variant Classification Criteria Version 2. Collection method: clinical testing. Allele origin: germline. Affected: yes. Observed: 1 variant allele.
Comment: KIF26A: BP4, BP7